The following is an entry in ClinVar:

ClinVar aggregate classification (germline): Uncertain significance (1 of 4 stars; one submission).

Submission:

Labcorp Genetics (formerly Invitae), Labcorp
Classification: Uncertain significance. Last evaluated: 2023-12-02. Review status: criteria provided, single submitter. Criteria: Invitae Variant Classification Sherloc (09022015). Collection method: clinical testing. Allele origin: germline.
Comment: This sequence change replaces isoleucine, which is neutral and non-polar, with phenylalanine, which is neutral and non-polar, at codon 1850 of the TECTA protein (p.Ile1850Phe). This variant is not present in population databases (gnomAD no frequency). This variant has not been reported in the literature in individuals affected with TECTA-related conditions. Advanced modeling of protein sequence and biophysical properties (such as structural, functional, and spatial information, amino acid conservation, physicochemical variation, residue mobility, and thermodynamic stability) performed at Invitae indicates that this missense variant is not expected to disrupt TECTA protein function with a negative predictive value of 95%. In summary, the available evidence is currently insufficient to determine the role of this variant in disease. Therefore, it has been classified as a Variant of Uncertain Significance.

NM_005422.4(TECTA):c.5548A>T (p.Ile1850Phe)

Genes: TBCEL-TECTA (TBCEL-TECTA readthrough; plus strand), TECTA (tectorin alpha; plus strand). Cytogenetic location: 11q23.3.
Variant type: single nucleotide variant.
Coding change: c.5548A>T on transcript NM_005422.4 (MANE Select); coding-DNA position 5548, A replaced by T.
Protein change: p.Ile1850Phe; replaces isoleucine 1850 with phenylalanine.
Molecular consequence: missense variant.
Genome position (GRCh38, 1-based): chr11:121,166,742, A>T. VCF-style: chr11-121166742-A-T. GRCh37 (hg19) VCF-style: chr11-121037451-A-T.
Other names: c.6490A>T, p.Ile2164Phe (NM_001378761.1); short protein forms I1850F, I2164F.
Identifiers: ClinVar variation 2966700 (VCV002966700.3), dbSNP rs2496989327, ClinGen allele CA383034816.
Genomic context (GRCh38, chr11:121,166,742, plus strand): 5'-GTGAGGATCAATGACAGACAGTGCACCGGCATCGAGGGGGAAGATTTTATCTCCTTTCAG[A>T]TCAACAACACCAAAGGGAATTGTGGAAACATTGTGCAGGTGAGAAAAGCAGCAGGAAAGA-3'
Protein context (NP_005413.2, residues 1840-1860): IEGEDFISFQ[Ile1850Phe]NNTKGNCGNI